The following is an entry in ClinVar:

NM_000275.3(OCA2):c.2225dup (p.Phe744fs)

Gene: OCA2 (OCA2 melanosomal transmembrane protein; minus strand). Cytogenetic location: 15q13.1.
Variant type: Duplication.
Coding change: c.2225dup on transcript NM_000275.3 (MANE Select); coding-DNA position 2225, one base duplicated (T; older notation c.2225dupT).
Protein change: p.Phe744fs; shifts the reading frame from phenylalanine 744.
Molecular consequence: frameshift variant.
Genome position (GRCh38, 1-based): chr15:27,871,173, A duplicated on the plus strand (T on the coding strand, the reverse complement: OCA2 is on the minus strand). VCF-style (leftmost placement, unchanged base first): chr15-27871172-G-GA. GRCh37 (hg19) VCF-style: chr15-28116318-G-GA.
Other names: c.2225dupT (NM_000275.2, NM_000275.3); c.2153dup, p.Phe720fs (NM_001300984.2); short protein forms F720fs, F744fs.
Identifiers: ClinVar variation 1700026 (VCV001700026.3), dbSNP rs2036555943, ClinGen allele CA967998065.
Genomic context (GRCh38, chr15:27,871,172, plus strand): 5'-CAGGCTAAAGTTGAGCCGTCGACATGGACATGTGCAACTCACCATGGTAGCAGTGAACGG[G>GA]ATGTTGTCAATCAGGGACGACGCCAGGGCTGAGACCCACACCACCAGGACAATGGCGGCT-3'

ClinVar aggregate classification (germline): Pathogenic. Review status: criteria provided, multiple submitters, no conflicts (2 of 4 stars). 3 submissions from 3 submitters: Pathogenic (2). 1 of the submissions does not count toward it. Last evaluated 2026-04-11.

Conditions:
Tyrosinase-positive oculocutaneous albinism (OCA2). Also called: ALBINISM II; Oculocutaneous albinism type 2; Albinism, oculocutaneous, type II. Identifiers: Orphanet 79432, MedGen C0268495, MONDO:0008746, OMIM 203200.
OCA2-related disorder. Also called: OCA2-related condition.

Allele frequency attached by ClinVar (database versions not stated): gnomAD 0.00001; TOPMed 0.00001.

Submissions (3):

Myriad Genetics, Inc.
Classification: Pathogenic for Tyrosinase-positive oculocutaneous albinism. Last evaluated: 2026-04-11. Review status: criteria provided, single submitter. Criteria: Myriad Autosomal Dominant, Autosomal Recessive and X-Linked Classification Criteria (2023). Collection method: clinical testing. Allele origin: unknown.
Comment: NM_000275.2(OCA2):c.2225dupT(F744Vfs*17) is expected to be pathogenic in the context of oculocutaneous albinism, OCA2-related. This variant is predicted to lead to an abnormal or absent protein product due to the creation of a premature termination codon in OCA2, a gene where loss-of-function variants are known to be pathogenic. Please note: this variant was assessed in the context of healthy population screening.

Centre for Human Genetics, University of Kinshasa
Classification: Pathogenic for Tyrosinase-positive oculocutaneous albinism. Last evaluated: 2022-08-06. Review status: criteria provided, single submitter. Criteria: ACMG Guidelines, 2015. Collection method: clinical testing. Allele origin: germline. Inheritance: Autosomal recessive inheritance. Affected: yes. Observed: 2 variant alleles.
Comment: This duplication of a Thyrosine at position 2225 of the coding sequence is predicted to shift the reading frame and introduce a premature stop codon 17 codons downstream. This variant is absent from population databases, including gnomAD, has not been submitted to ClinVar before. We identified this variant in a heterozygous state in two patients with Tyrosinase-positive oculocutaneous albinism in the Democratic Republic of Congo (DRC). The two patients were heterozygous for the classic 2.7 deletion in the OCA2 gene. In one patient, segregation analysis showed that the variant was in trans to the deletion. Segregation analysis was not performed in the other patient. This variant was classified as pathogenic according to the ACMG guidelines.

PreventionGenetics, part of Exact Sciences
Classification: Pathogenic for OCA2-related condition. Last evaluated: 2024-05-14. Review status: no assertion criteria provided. Collection method: clinical testing. Allele origin: germline. Not counted in ClinVar's aggregate classification.
Comment: The OCA2 c.2225dupT variant is predicted to result in a frameshift and premature protein termination (p.Phe744Valfs*17). This variant has been reported in the compound heterozygous state in an individual with oculocutaneous albinism (Table S3, Lasseaux et al. 2018. PubMed ID: 29345414). This variant has not been reported in a large population database, indicating this variant is rare. Frameshift variants in OCA2 are expected to be pathogenic. Given the evidence, we interpret this variant as pathogenic.